The following is an entry in ClinVar:

ClinVar aggregate classification (germline): Uncertain significance (1 of 4 stars; one submission).

Submission:

GeneDx
Classification: Uncertain significance. Last evaluated: 2024-02-08. Review status: criteria provided, single submitter. Criteria: GeneDx Variant Classification Process June 2021. Collection method: clinical testing. Allele origin: germline. Affected: yes.
Comment: Not observed at significant frequency in large population cohorts (gnomAD); Has not been previously published as pathogenic or benign to our knowledge; Nonsense variant predicted to result in protein truncation or nonsense mediated decay in a gene for which loss-of-function is not an established mechanism of disease

NM_004924.6(ACTN4):c.1174C>T (p.Gln392Ter)

Gene: ACTN4 (actinin alpha 4; plus strand). Cytogenetic location: 19q13.2.
Variant type: single nucleotide variant.
Coding change: c.1174C>T on transcript NM_004924.6 (MANE Select); coding-DNA position 1174, C replaced by T.
Protein change: p.Gln392Ter; replaces glutamine 392 with a stop codon.
Molecular consequence: nonsense.
Genome position (GRCh38, 1-based): chr19:38,717,957, C>T. VCF-style: chr19-38717957-C-T. GRCh37 (hg19) VCF-style: chr19-39208597-C-T.
Other names: c.1174C>T, p.Gln392Ter (NM_001322033.2, NM_001411143.1); short protein forms Q392*.
Identifiers: ClinVar variation 3368793 (VCV003368793.1).